The following is an entry in ClinVar:

NM_004132.5(HABP2):c.753G>A (p.Ala251=)

Gene: HABP2 (hyaluronan binding protein 2; plus strand). Cytogenetic location: 10q25.3.
Variant type: single nucleotide variant.
Coding change: c.753G>A on transcript NM_004132.5 (MANE Select); coding-DNA position 753, G replaced by A.
Protein change: p.Ala251=; no amino-acid change (alanine 251 retained).
Molecular consequence: synonymous variant.
Genome position (GRCh38, 1-based): chr10:113,580,607, G>A. VCF-style: chr10-113580607-G-A. GRCh37 (hg19) VCF-style: chr10-115340366-G-A.
Other names: c.675G>A, p.Ala225= (NM_001177660.3).
Identifiers: ClinVar variation 879436 (VCV000879436.28), dbSNP rs146758495, ClinGen allele CA5693764.

ClinVar aggregate classification (germline): Conflicting classifications of pathogenicity. Review status: criteria provided, conflicting classifications (1 of 4 stars). 3 submissions from 3 submitters: Uncertain significance (1); Likely benign (2). Last evaluated 2025-03-21.

Conditions:
Factor VII-activating protease marburg I. Identifiers: MedGen CN068943.

Allele frequency attached by ClinVar (database versions not stated): gnomAD 0.00022 and 0.00023; 1000 Genomes Project 0.00040; TOPMed 0.00046; 1000 Genomes Project 30x 0.00047.
gnomAD v4.1: 229 of 1,572,126 alleles (0.015%); highest among the groups gnomAD compares: Admixed American, 0.092%; no homozygotes.

Submissions (3):

Ambry Genetics
Classification: Likely benign. Last evaluated: 2025-03-21. Review status: criteria provided, single submitter. Criteria: Ambry Variant Classification Scheme 2023. Collection method: clinical testing. Allele origin: germline.

CeGaT Center for Human Genetics Tuebingen
Classification: Likely benign. Last evaluated: 2022-11-01. Review status: criteria provided, single submitter. Criteria: CeGaT Center For Human Genetics Tuebingen Variant Classification Criteria Version 2. Collection method: clinical testing. Allele origin: germline. Affected: yes. Observed: 1 variant allele.
Comment: HABP2: BP4, BP7

Illumina Laboratory Services, Illumina
Classification: Uncertain significance for Factor VII Marburg I Variant Thrombophilia. Last evaluated: 2018-01-13. Review status: criteria provided, single submitter. Criteria: ICSL Variant Classification Criteria 13 December 2019. Collection method: clinical testing. Allele origin: germline.